The following is an entry in ClinVar:

ClinVar aggregate classification (germline): Uncertain significance. Review status: criteria provided, multiple submitters, no conflicts (2 of 4 stars). 2 submissions from 2 submitters: Uncertain significance (2). Last evaluated 2025-06-06.

Conditions:
Hereditary cancer-predisposing syndrome. Also called: Neoplastic Syndromes, Hereditary; Hereditary neoplastic syndrome; Hereditary Cancer Syndrome; Tumor predisposition. Identifiers: Orphanet 140162, MedGen C0027672, MeSH D009386, MONDO:0015356.
POLD1-related polyposis and colorectal cancer syndrome (CRCS10). Also called: Colorectal cancer, susceptibility to, 10; Colorectal cancer 10; COLORECTAL CANCER, SUSCEPTIBILITY TO, ON CHROMOSOME 19q. Identifiers: Orphanet 220460, MedGen C2675481, MONDO:0012953, OMIM 612591.

Submissions (2):

Ambry Genetics
Classification: Uncertain significance for Hereditary cancer-predisposing syndrome. Last evaluated: 2025-06-06. Review status: criteria provided, single submitter. Criteria: Ambry Variant Classification Scheme 2023. Collection method: clinical testing. Allele origin: germline.
Comment: The p.P1077T variant (also known as c.3229C>A), located in coding exon 26 of the POLD1 gene, results from a C to A substitution at nucleotide position 3229. The proline at codon 1077 is replaced by threonine, an amino acid with highly similar properties. This amino acid position is well conserved in available vertebrate species. In addition, the in silico prediction for this alteration is inconclusive. Based on the available evidence, the clinical significance of this variant remains unclear.

Labcorp Genetics (formerly Invitae), Labcorp
Classification: Uncertain significance for POLD1-related polyposis and colorectal cancer syndrome. Last evaluated: 2023-06-21. Review status: criteria provided, single submitter. Criteria: Invitae Variant Classification Sherloc (09022015). Collection method: clinical testing. Allele origin: germline.
Comment: This sequence change replaces proline, which is neutral and non-polar, with threonine, which is neutral and polar, at codon 1077 of the POLD1 protein (p.Pro1077Thr). This variant is not present in population databases (gnomAD no frequency). This variant has not been reported in the literature in individuals affected with POLD1-related conditions. ClinVar contains an entry for this variant (Variation ID: 408044). Advanced modeling of protein sequence and biophysical properties (such as structural, functional, and spatial information, amino acid conservation, physicochemical variation, residue mobility, and thermodynamic stability) performed at Invitae indicates that this missense variant is not expected to disrupt POLD1 protein function. In summary, the available evidence is currently insufficient to determine the role of this variant in disease. Therefore, it has been classified as a Variant of Uncertain Significance.

NM_002691.4(POLD1):c.3229C>A (p.Pro1077Thr)

Gene: POLD1 (DNA polymerase delta 1, catalytic subunit; plus strand). Cytogenetic location: 19q13.33.
Variant type: single nucleotide variant.
Coding change: c.3229C>A on transcript NM_002691.4 (MANE Select); coding-DNA position 3229, C replaced by A.
Protein change: p.Pro1077Thr; replaces proline 1077 with threonine.
Molecular consequence: missense variant. On other transcripts: non-coding transcript variant (1).
Genome position (GRCh38, 1-based): chr19:50,417,852, C>A. VCF-style: chr19-50417852-C-A. GRCh37 (hg19) VCF-style: chr19-50921109-C-A.
Other names: c.3229C>A, p.Pro1077Thr (NM_001256849.1); c.3307C>A, p.Pro1103Thr (NM_001308632.1); c.3229C>A (NM_002691.2); short protein forms P1077T, P1103T.
Identifiers: ClinVar variation 408044 (VCV000408044.10), dbSNP rs1060501830, ClinGen allele CA16616426.
Genomic context (GRCh38, chr19:50,417,852, plus strand): 5'-GGGCACTGGGCCTTGGCTGGTCCTGACCCTGCCCCTGCCCCCACCCGCAGCCGGGACTGC[C>A]CCATCTTCTACATGCGCAAGAAGGTGCGGAAGGACCTGGAAGACCAGGAGCAGCTCCTGC-3'
Protein context (NP_002682.2, residues 1067-1087): EDVICTSRDC[Pro1077Thr]IFYMRKKVRK